The following is an entry in ClinVar:

ClinVar aggregate classification (germline): Uncertain significance (1 of 4 stars; one submission).

Conditions:
Dilated cardiomyopathy 1II (CMD1II). Identifiers: Orphanet 154, MedGen C3554649, MONDO:0014073, OMIM 615184.

Allele frequency attached by ClinVar (database versions not stated): gnomAD exomes below 0.00001; ExAC 0.00001.
gnomAD v4.1: 1 of 1,614,098 alleles (0.000062%); highest among the groups gnomAD compares: Admixed American, 0.0017%; no homozygotes.

Submission:

Labcorp Genetics (formerly Invitae), Labcorp
Classification: Uncertain significance for Dilated cardiomyopathy 1II. Last evaluated: 2022-08-16. Review status: criteria provided, single submitter. Criteria: Invitae Variant Classification Sherloc (09022015). Collection method: clinical testing. Allele origin: germline.
Comment: In summary, the available evidence is currently insufficient to determine the role of this variant in disease. Therefore, it has been classified as a Variant of Uncertain Significance. Algorithms developed to predict the effect of missense changes on protein structure and function are either unavailable or do not agree on the potential impact of this missense change (SIFT: "Deleterious"; PolyPhen-2: "Probably Damaging"; Align-GVGD: "Class C0"). ClinVar contains an entry for this variant (Variation ID: 1406617). This variant has not been reported in the literature in individuals affected with CRYAB-related conditions. This variant is present in population databases (rs782629197, gnomAD 0.003%). This sequence change replaces leucine, which is neutral and non-polar, with valine, which is neutral and non-polar, at codon 143 of the CRYAB protein (p.Leu143Val).

NM_001289808.2(CRYAB):c.427C>G (p.Leu143Val)

Gene: CRYAB (crystallin alpha B; minus strand). Cytogenetic location: 11q23.1.
Variant type: single nucleotide variant.
Coding change: c.427C>G on transcript NM_001289808.2 (MANE Select); coding-DNA position 427, C replaced by G.
Protein change: p.Leu143Val; replaces leucine 143 with valine.
Molecular consequence: missense variant.
Genome position (GRCh38, 1-based): chr11:111,908,865, G>C on the plus strand (C>G on the coding strand, the complement: CRYAB is on the minus strand). VCF-style: chr11-111908865-G-C. GRCh37 (hg19) VCF-style: chr11-111779589-G-C.
Other names: c.427C>G, p.Leu143Val (NM_001289807.1, NM_001368245.1, NM_001885.3); c.226C>G, p.Leu76Val (NM_001330379.1, NM_001368246.1); short protein forms L76V, L143V.
Identifiers: ClinVar variation 1406617 (VCV001406617.8), dbSNP rs782629197, ClinGen allele CA6275463.